The following is an entry in ClinVar:

NM_001379291.1(BRD4):c.3772G>C (p.Glu1258Gln)

Gene: BRD4 (bromodomain containing 4; minus strand). Cytogenetic location: 19p13.12.
Variant type: single nucleotide variant.
Coding change: c.3772G>C on transcript NM_001379291.1 (MANE Select); coding-DNA position 3772, G replaced by C.
Protein change: p.Glu1258Gln; replaces glutamic acid 1258 with glutamine.
Molecular consequence: missense variant.
Genome position (GRCh38, 1-based): chr19:15,239,069, C>G on the plus strand (G>C on the coding strand, the complement: BRD4 is on the minus strand). VCF-style: chr19-15239069-C-G. GRCh37 (hg19) VCF-style: chr19-15349880-C-G.
Other names: c.3772G>C, p.Glu1258Gln (NM_058243.3); short protein forms E1258Q.
Identifiers: ClinVar variation 3644076 (VCV003644076.2).

ClinVar aggregate classification (germline): Uncertain significance (1 of 4 stars; one submission).

Submission:

Labcorp Genetics (formerly Invitae), Labcorp
Classification: Uncertain significance. Last evaluated: 2024-03-02. Review status: criteria provided, single submitter. Criteria: Invitae Variant Classification Sherloc (09022015). Collection method: clinical testing. Allele origin: germline.
Comment: This sequence change replaces glutamic acid, which is acidic and polar, with glutamine, which is neutral and polar, at codon 1258 of the BRD4 protein (p.Glu1258Gln). This variant is not present in population databases (gnomAD no frequency). This variant has not been reported in the literature in individuals affected with BRD4-related conditions. Advanced modeling of protein sequence and biophysical properties (such as structural, functional, and spatial information, amino acid conservation, physicochemical variation, residue mobility, and thermodynamic stability) performed at Invitae indicates that this missense variant is not expected to disrupt BRD4 protein function with a negative predictive value of 80%. In summary, the available evidence is currently insufficient to determine the role of this variant in disease. Therefore, it has been classified as a Variant of Uncertain Significance.